The following is an entry in ClinVar:

NM_006084.5(IRF9):c.509C>A (p.Ala170Asp)

Gene: IRF9 (interferon regulatory factor 9; plus strand). Cytogenetic location: 14q12.
Variant type: single nucleotide variant.
Coding change: c.509C>A on transcript NM_006084.5 (MANE Select); coding-DNA position 509, C replaced by A.
Protein change: p.Ala170Asp; replaces alanine 170 with aspartic acid.
Molecular consequence: missense variant.
Genome position (GRCh38, 1-based): chr14:24,163,891, C>A. VCF-style: chr14-24163891-C-A. GRCh37 (hg19) VCF-style: chr14-24633100-C-A.
Other names: c.509C>A, p.Ala170Asp (NM_001385400.1, NM_001385401.1, NM_001385402.1); short protein forms A170D.
Identifiers: ClinVar variation 4731654 (VCV004731654.1).

ClinVar aggregate classification (germline): Uncertain significance (1 of 4 stars; one submission).

Submission:

Labcorp Genetics (formerly Invitae), Labcorp
Classification: Uncertain significance. Last evaluated: 2025-11-21. Review status: criteria provided, single submitter. Criteria: Invitae Variant Classification Sherloc (09022015). Collection method: clinical testing. Allele origin: germline.
Comment: This sequence change replaces alanine, which is neutral and non-polar, with aspartic acid, which is acidic and polar, at codon 170 of the IRF9 protein (p.Ala170Asp). This variant is not present in population databases (gnomAD no frequency). This variant has not been reported in the literature in individuals affected with IRF9-related conditions. An algorithm developed to predict the effect of missense changes on protein structure and function (PolyPhen-2) suggests that this variant is likely to be tolerated. In summary, the available evidence is currently insufficient to determine the role of this variant in disease. Therefore, it has been classified as a Variant of Uncertain Significance.